The following is an entry in ClinVar:

NM_002025.4(AFF2):c.31G>A (p.Asp11Asn)

Gene: AFF2 (ALF transcription elongation factor 2; plus strand). Cytogenetic location: Xq28.
Variant type: single nucleotide variant.
Coding change: c.31G>A on transcript NM_002025.4 (MANE Select); coding-DNA position 31, G replaced by A.
Protein change: p.Asp11Asn; replaces aspartic acid 11 with asparagine.
Molecular consequence: missense variant.
Genome position (GRCh38, 1-based): chrX:148,501,128, G>A. VCF-style: chrX-148501128-G-A. GRCh37 (hg19) VCF-style: chrX-147582648-G-A.
Other names: c.31G>A, p.Asp11Asn (NM_001169122.2, NM_001169123.2, NM_001169124.2 and 1 more transcripts); short protein forms D11N.
Identifiers: ClinVar variation 2578208 (VCV002578208.1), dbSNP rs2052343731, ClinGen allele CA414509227.

ClinVar aggregate classification (germline): Uncertain significance (1 of 4 stars; one submission).

Allele frequency attached by ClinVar (database versions not stated): gnomAD exomes below 0.00001; gnomAD 0.00001.
gnomAD v4.1: 2 of 1,209,934 alleles (0.00017%); no homozygotes.

Submission:

GeneDx
Classification: Uncertain significance. Last evaluated: 2023-02-28. Review status: criteria provided, single submitter. Criteria: GeneDx Variant Classification Process June 2021. Collection method: clinical testing. Allele origin: germline. Affected: yes.
Comment: Not observed at significant frequency in large population cohorts (gnomAD); In silico analysis supports that this missense variant does not alter protein structure/function; Has not been previously published as pathogenic or benign to our knowledge